The following is an entry in ClinVar:

NM_004733.4(SLC33A1):c.925G>A (p.Ala309Thr)

Gene: SLC33A1 (solute carrier family 33 member 1; minus strand). Cytogenetic location: 3q25.31.
Variant type: single nucleotide variant.
Coding change: c.925G>A on transcript NM_004733.4 (MANE Select); coding-DNA position 925, G replaced by A.
Protein change: p.Ala309Thr; replaces alanine 309 with threonine.
Molecular consequence: missense variant. On other transcripts: intron variant (1).
Genome position (GRCh38, 1-based): chr3:155,842,470, C>T on the plus strand (G>A on the coding strand, the complement: SLC33A1 is on the minus strand). VCF-style: chr3-155842470-C-T. GRCh37 (hg19) VCF-style: chr3-155560259-C-T.
Other names: c.925G>A, p.Ala309Thr (NM_001190992.2); c.776-8429G>A (NM_001363883.1); c.925G>A (NM_004733.3); short protein forms A309T.
Identifiers: ClinVar variation 3069034 (VCV003069034.4), dbSNP rs531122837, ClinGen allele CA2677351.
Genomic context (GRCh38, chr3:155,842,470, plus strand): 5'-ATTTGATTTATAAATCTCTTACCTTTGCAGTTAGAATCAGAAGGCAAAATGTCAGAACTG[C>T]TGGCATTTTTATAATTGCAAAAAGCAGCTTGTAAGTATCTGTGATCCCTTGTGTTTCTTC-3'
Protein context (NP_004724.1, residues 299-319): KLLFAIIKMP[Ala309Thr]VLTFCLLILT

ClinVar aggregate classification (germline): Uncertain significance. Review status: criteria provided, multiple submitters, no conflicts (2 of 4 stars). 3 submissions from 3 submitters: Uncertain significance (3). Last evaluated 2025-05-17.

Conditions:
Inborn genetic diseases. Identifiers: MedGen C0950123, MeSH D030342.

Allele frequency attached by ClinVar (database versions not stated): gnomAD exomes 0.00001; ExAC 0.00002; TOPMed 0.00002; gnomAD 0.00003.
gnomAD v4.1: 12 of 1,612,434 alleles (0.00074%); highest among the groups gnomAD compares: Admixed American, 0.02%; no homozygotes.

Submissions (3):

Ambry Genetics
Classification: Uncertain significance for Inborn genetic diseases. Last evaluated: 2025-05-17. Review status: criteria provided, single submitter. Criteria: Ambry Variant Classification Scheme 2023. Collection method: clinical testing. Allele origin: germline.

GeneDx
Classification: Uncertain significance. Last evaluated: 2024-10-02. Review status: criteria provided, single submitter. Criteria: GeneDx Variant Classification Process June 2021. Collection method: clinical testing. Allele origin: germline. Affected: yes.
Comment: In silico analysis indicates that this missense variant does not alter protein structure/function; Has not been previously published as pathogenic or benign to our knowledge

Women's Health and Genetics/Laboratory Corporation of America, LabCorp
Classification: Uncertain significance. Last evaluated: 2024-02-20. Review status: criteria provided, single submitter. Criteria: LabCorp Variant Classification Summary - May 2015. Collection method: clinical testing. Allele origin: germline.
Comment: Variant summary: SLC33A1 c.925G>A (p.Ala309Thr) results in a non-conservative amino acid change in the encoded protein sequence. Three of five in-silico tools predict a benign effect of the variant on protein function. The variant allele was found at a frequency of 2.4e-05 in 251024 control chromosomes (gnomAD). The available data on variant occurrences in the general population are insufficient to allow any conclusion about variant significance. To our knowledge, no occurrence of c.925G>A in individuals affected with Congenital Cataract-Hearing Loss-Severe Developmental Delay Syndrome and no experimental evidence demonstrating its impact on protein function have been reported. No submitters have cited clinical-significance assessments for this variant to ClinVar. Based on the evidence outlined above, the variant was classified as uncertain significance.